The following is an entry in ClinVar:

ClinVar aggregate classification (germline): Uncertain significance (1 of 4 stars; one submission).

Conditions:
Von Hippel-Lindau syndrome (VHLS). Also called: Von Hippel-Lindau; VHL syndrome; von Hippel–Lindau syndrome. Identifiers: Orphanet 892, MedGen C0019562, MONDO:0008667, OMIM 193300. Disease mechanism: loss of function.
Chuvash polycythemia. Also called: POLYCYTHEMIA, VHL-DEPENDENT. Identifiers: Orphanet 238557, MedGen C1837915, MONDO:0009892, OMIM 263400.

Submission:

Labcorp Genetics (formerly Invitae), Labcorp
Classification: Uncertain significance for Von Hippel-Lindau syndrome; Erythrocytosis, familial, 2. Last evaluated: 2018-05-04. Review status: criteria provided, single submitter. Criteria: Invitae Variant Classification Sherloc (09022015). Collection method: clinical testing. Allele origin: germline.
Comment: A gross duplication of the genomic region encompassing the full coding sequence of the VHL gene has been identified. The boundaries of this event are unknown as the duplication extends beyond the assayed region for this gene and therefore may encompass additional genes. As the precise location of this duplication is unknown, it may be in tandem or it may be located elsewhere in the genome. This variant has not been reported in the literature in individuals with VHL-related disease. In summary, the available evidence is currently insufficient to determine the role of this variant in disease. Therefore, it has been classified as a Variant of Uncertain Significance.

NC_000003.11:g.(?_10183526)_(10191655_?)dup

Genes: VHL (von Hippel-Lindau tumor suppressor; plus strand), LOC107303340 (3p25 von Hippel-Lindau tumor suppressor, E3 ubiquitin protein ligase Alu-mediated recombination region; plus strand). Cytogenetic location: 3p25.3.
Variant type: Duplication.
Identifiers: ClinVar variation 584027 (VCV000584027.1).